The following is an entry in ClinVar:

NM_000465.4(BARD1):c.1810+4A>C

Gene: BARD1 (BRCA1 associated RING domain 1; minus strand). Cytogenetic location: 2q35.
Variant type: single nucleotide variant.
Coding change: c.1810+4A>C on transcript NM_000465.4 (MANE Select); 4 bases into the intron after coding-DNA position 1810, A replaced by C.
Molecular consequence: intron variant.
Genome position (GRCh38, 1-based): chr2:214,745,718, T>G on the plus strand (A>C on the coding strand, the complement: BARD1 is on the minus strand). VCF-style: chr2-214745718-T-G. GRCh37 (hg19) VCF-style: chr2-215610442-T-G.
Other names: c.400+4A>C (NM_001282548.2); c.1753+4A>C (NM_001282543.2); c.457+4A>C (NM_001282545.2); c.365-15210A>C (NM_001282549.2).
Identifiers: ClinVar variation 2752269 (VCV002752269.3), dbSNP rs2469341863, ClinGen allele CA2697550382.

ClinVar aggregate classification (germline): Uncertain significance (1 of 4 stars; one submission).

Conditions:
Familial cancer of breast. Also called: BREAST CANCER, FAMILIAL; hereditary breast carcinoma; Hereditary breast cancer. Identifiers: Orphanet 227535, MedGen C0346153, MONDO:0016419, OMIM 114480. Disease mechanism: loss of function.

Submission:

Labcorp Genetics (formerly Invitae), Labcorp
Classification: Uncertain significance for Familial cancer of breast. Last evaluated: 2023-08-14. Review status: criteria provided, single submitter. Criteria: Invitae Variant Classification Sherloc (09022015). Collection method: clinical testing. Allele origin: germline.
Comment: This sequence change falls in intron 8 of the BARD1 gene. It does not directly change the encoded amino acid sequence of the BARD1 protein. It affects a nucleotide within the consensus splice site. This variant is not present in population databases (gnomAD no frequency). This variant has not been reported in the literature in individuals affected with BARD1-related conditions. Variants that disrupt the consensus splice site are a relatively common cause of aberrant splicing (PMID: 17576681, 9536098). Algorithms developed to predict the effect of sequence changes on RNA splicing suggest that this variant is not likely to affect RNA splicing. In summary, the available evidence is currently insufficient to determine the role of this variant in disease. Therefore, it has been classified as a Variant of Uncertain Significance.

Literature cited by the submitters: PubMed 17576681; PubMed 9536098.